The following is an entry in ClinVar:

ClinVar aggregate classification (germline): Uncertain significance (1 of 4 stars; one submission).

Conditions:
Dystonic disorder. Also called: Dystonia. Identifiers: MedGen C0013421, MONDO:0003441, HP:0001332.

gnomAD v4.1: 1 of 1,591,720 alleles (0.000063%); no homozygotes.

Submission:

Labcorp Genetics (formerly Invitae), Labcorp
Classification: Uncertain significance for Dystonic disorder. Last evaluated: 2022-09-26. Review status: criteria provided, single submitter. Criteria: Invitae Variant Classification Sherloc (09022015). Collection method: clinical testing. Allele origin: germline.
Comment: This variant has not been reported in the literature in individuals affected with TOR1A-related conditions. This sequence change replaces serine, which is neutral and polar, with arginine, which is basic and polar, at codon 57 of the TOR1A protein (p.Ser57Arg). This variant is not present in population databases (gnomAD no frequency). Advanced modeling of protein sequence and biophysical properties (such as structural, functional, and spatial information, amino acid conservation, physicochemical variation, residue mobility, and thermodynamic stability) performed at Invitae indicates that this missense variant is not expected to disrupt TOR1A protein function. In summary, the available evidence is currently insufficient to determine the role of this variant in disease. Therefore, it has been classified as a Variant of Uncertain Significance.

NM_000113.3(TOR1A):c.171C>G (p.Ser57Arg)

Gene: TOR1A (torsin family 1 member A; minus strand). Cytogenetic location: 9q34.11.
Variant type: single nucleotide variant.
Coding change: c.171C>G on transcript NM_000113.3 (MANE Select); coding-DNA position 171, C replaced by G.
Protein change: p.Ser57Arg; replaces serine 57 with arginine.
Molecular consequence: missense variant.
Genome position (GRCh38, 1-based): chr9:129,823,915, G>C on the plus strand (C>G on the coding strand, the complement: TOR1A is on the minus strand). VCF-style: chr9-129823915-G-C. GRCh37 (hg19) VCF-style: chr9-132586194-G-C.
Other names: short protein forms S57R.
Identifiers: ClinVar variation 1720217 (VCV001720217.5), dbSNP rs990435438, ClinGen allele CA375177911.